The following is an entry in ClinVar:

NM_030631.4(SLC25A21):c.706C>T (p.Gln236Ter)

Gene: SLC25A21 (solute carrier family 25 member 21; minus strand). Cytogenetic location: 14q13.3.
Variant type: single nucleotide variant.
Coding change: c.706C>T on transcript NM_030631.4 (MANE Select); coding-DNA position 706, C replaced by T.
Protein change: p.Gln236Ter; replaces glutamine 236 with a stop codon.
Molecular consequence: nonsense.
Genome position (GRCh38, 1-based): chr14:36,684,823, G>A on the plus strand (C>T on the coding strand, the complement: SLC25A21 is on the minus strand). VCF-style: chr14-36684823-G-A. GRCh37 (hg19) VCF-style: chr14-37154028-G-A.
Other names: c.706C>T, p.Gln236Ter (NM_001171170.2); short protein forms Q236*.
Identifiers: ClinVar variation 2020712 (VCV002020712.4), dbSNP rs774862375, ClinGen allele CA7159223.

ClinVar aggregate classification (germline): Uncertain significance (1 of 4 stars; one submission).

Allele frequency attached by ClinVar (database versions not stated): gnomAD exomes below 0.00001; ExAC 0.00001.
gnomAD v4.1: 1 of 1,614,042 alleles (0.000062%); highest among the groups gnomAD compares: Non-Finnish European, 0.000085%; no homozygotes.

Submission:

Labcorp Genetics (formerly Invitae), Labcorp
Classification: Uncertain significance. Last evaluated: 2026-01-05. Review status: criteria provided, single submitter. Criteria: Invitae Variant Classification Sherloc (09022015). Collection method: clinical testing. Allele origin: germline.
Comment: This sequence change creates a premature translational stop signal (p.Gln236*) in the SLC25A21 gene. It is expected to result in an absent or disrupted protein product. However, the current clinical and genetic evidence is not sufficient to establish whether loss-of-function variants in SLC25A21 cause disease. This variant is present in population databases (rs774862375, gnomAD 0.0009%). This variant has not been reported in the literature in individuals affected with SLC25A21-related conditions. ClinVar contains an entry for this variant (Variation ID: 2020712). In summary, the available evidence is currently insufficient to determine the role of this variant in disease. Therefore, it has been classified as a Variant of Uncertain Significance.